The following is an entry in ClinVar:

NM_014009.4(FOXP3):c.-23+474C>G

Gene: FOXP3 (forkhead box P3; minus strand). Cytogenetic location: Xp11.23.
Variant type: single nucleotide variant.
Coding change: c.-23+474C>G on transcript NM_014009.4 (MANE Select); 474 bases into the intron after 23 bases upstream of the start codon, C replaced by G.
Molecular consequence: intron variant.
Genome position (GRCh38, 1-based): chrX:49,264,187, G>C on the plus strand (C>G on the coding strand, the complement: FOXP3 is on the minus strand). VCF-style: chrX-49264187-G-C. GRCh37 (hg19) VCF-style: chrX-49120646-G-C.
Other names: c.-23+477C>G (NM_014009.4); c.-23+474C>G (NM_001114377.2).
Identifiers: ClinVar variation 4684525 (VCV004684525.1).

ClinVar aggregate classification (germline): Benign (1 of 4 stars; one submission).

gnomAD v4.1: 229 of 111,161 alleles (0.21%); highest among the groups gnomAD compares: Non-Finnish European, 0.31%; 1 homozygote.

Submission:

Mayo Clinic Laboratories, Mayo Clinic
Classification: Benign. Last evaluated: 2024-09-30. Review status: criteria provided, single submitter. Criteria: ACMG Guidelines, 2015. Collection method: clinical testing. Allele origin: germline. Observed: 5 variant alleles.
Comment: BS1, BS2, BP4, BP7